The following is an entry in ClinVar:

NM_005263.5(GFI1):c.682G>C (p.Gly228Arg)

Gene: GFI1 (growth factor independent 1 transcriptional repressor; minus strand). Cytogenetic location: 1p22.1.
Variant type: single nucleotide variant.
Coding change: c.682G>C on transcript NM_005263.5 (MANE Select); coding-DNA position 682, G replaced by C.
Protein change: p.Gly228Arg; replaces glycine 228 with arginine.
Molecular consequence: missense variant.
Genome position (GRCh38, 1-based): chr1:92,480,705, C>G on the plus strand (G>C on the coding strand, the complement: GFI1 is on the minus strand). VCF-style: chr1-92480705-C-G. GRCh37 (hg19) VCF-style: chr1-92946262-C-G.
Other names: c.682G>C, p.Gly228Arg (NM_001127215.3, NM_001127216.3); short protein forms G228R.
Identifiers: ClinVar variation 643828 (VCV000643828.7), dbSNP rs779127899, ClinGen allele CA27090343.

ClinVar aggregate classification (germline): Uncertain significance. Review status: criteria provided, multiple submitters, no conflicts (2 of 4 stars). 2 submissions from 2 submitters: Uncertain significance (2). Last evaluated 2026-01-26.

Conditions:
Neutropenia, severe congenital, 2, autosomal dominant. Identifiers: Orphanet 486, MedGen C2751288, MONDO:0013139, OMIM 613107.

Allele frequency attached by ClinVar (database versions not stated): TOPMed below 0.00001.

Submissions (2):

Labcorp Genetics (formerly Invitae), Labcorp
Classification: Uncertain significance for Neutropenia, severe congenital, 2, autosomal dominant. Last evaluated: 2026-01-26. Review status: criteria provided, single submitter. Criteria: Invitae Variant Classification Sherloc (09022015). Collection method: clinical testing. Allele origin: germline.
Comment: This sequence change replaces glycine, which is neutral and non-polar, with arginine, which is basic and polar, at codon 228 of the GFI1 protein (p.Gly228Arg). This variant is not present in population databases (gnomAD no frequency). This variant has not been reported in the literature in individuals affected with GFI1-related conditions. ClinVar contains an entry for this variant (Variation ID: 643828). Invitae Evidence Modeling of protein sequence and biophysical properties (such as structural, functional, and spatial information, amino acid conservation, physicochemical variation, residue mobility, and thermodynamic stability) indicates that this missense variant is not expected to disrupt GFI1 protein function with a negative predictive value of 80%. In summary, the available evidence is currently insufficient to determine the role of this variant in disease. Therefore, it has been classified as a Variant of Uncertain Significance.

Ambry Genetics
Classification: Uncertain significance. Last evaluated: 2024-12-09. Review status: criteria provided, single submitter. Criteria: Ambry Variant Classification Scheme 2023. Collection method: clinical testing. Allele origin: germline.
Comment: The p.G228R variant (also known as c.682G>C), located in coding exon 3 of the GFI1 gene, results from a G to C substitution at nucleotide position 682. The glycine at codon 228 is replaced by arginine, an amino acid with dissimilar properties. This amino acid position is conserved. In addition, this alteration is predicted to be tolerated by in silico analysis. Based on the available evidence, the clinical significance of this variant remains unclear.